The following is an entry in ClinVar:

ClinVar aggregate classification (germline): Uncertain significance (1 of 4 stars; one submission).

Conditions:
Familial cold autoinflammatory syndrome 2 (FCAS2). Identifiers: Orphanet 247868, MedGen C2673198, MONDO:0012724, OMIM 611762.

Allele frequency attached by ClinVar (database versions not stated): gnomAD exomes 0.00001.
gnomAD v4.1: 8 of 1,614,122 alleles (0.0005%); highest among the groups gnomAD compares: Non-Finnish European, 0.00068%; no homozygotes.

Submission:

Labcorp Genetics (formerly Invitae), Labcorp
Classification: Uncertain significance for Familial cold autoinflammatory syndrome 2. Last evaluated: 2023-05-01. Review status: criteria provided, single submitter. Criteria: Invitae Variant Classification Sherloc (09022015). Collection method: clinical testing. Allele origin: germline.
Comment: This sequence change replaces cysteine, which is neutral and slightly polar, with arginine, which is basic and polar, at codon 271 of the NLRP12 protein (p.Cys271Arg). This variant is present in population databases (no rsID available, gnomAD 0.0009%). This variant has not been reported in the literature in individuals affected with NLRP12-related conditions. Advanced modeling of protein sequence and biophysical properties (such as structural, functional, and spatial information, amino acid conservation, physicochemical variation, residue mobility, and thermodynamic stability) performed at Invitae indicates that this missense variant is not expected to disrupt NLRP12 protein function. In summary, the available evidence is currently insufficient to determine the role of this variant in disease. Therefore, it has been classified as a Variant of Uncertain Significance.

NM_144687.4(NLRP12):c.811T>C (p.Cys271Arg)

Gene: NLRP12 (NLR family pyrin domain containing 12; minus strand). Cytogenetic location: 19q13.42.
Variant type: single nucleotide variant.
Coding change: c.811T>C on transcript NM_144687.4 (MANE Select); coding-DNA position 811, T replaced by C.
Protein change: p.Cys271Arg; replaces cysteine 271 with arginine.
Molecular consequence: missense variant.
Genome position (GRCh38, 1-based): chr19:53,810,848, A>G on the plus strand (T>C on the coding strand, the complement: NLRP12 is on the minus strand). VCF-style: chr19-53810848-A-G. GRCh37 (hg19) VCF-style: chr19-54314102-A-G.
Other names: c.811T>C, p.Cys271Arg (NM_001277126.2, NM_001277129.1); short protein forms C271R.
Identifiers: ClinVar variation 2766685 (VCV002766685.3), dbSNP rs1381551154, ClinGen allele CA407415742.